The following is an entry in ClinVar:

ClinVar aggregate classification (germline): Uncertain significance. Review status: criteria provided, multiple submitters, no conflicts (2 of 4 stars). 3 submissions from 3 submitters: Uncertain significance (3). Last evaluated 2025-01-18.

Conditions:
Inborn genetic diseases. Identifiers: MedGen C0950123, MeSH D030342.

Allele frequency attached by ClinVar (database versions not stated): gnomAD exomes below 0.00001; TOPMed below 0.00001.
gnomAD v4.1: 5 of 1,613,856 alleles (0.00031%); highest among the groups gnomAD compares: Non-Finnish European, 0.00042%; no homozygotes.

Submissions (3):

Ambry Genetics
Classification: Uncertain significance for Inborn genetic diseases. Last evaluated: 2025-01-18. Review status: criteria provided, single submitter. Criteria: Ambry Variant Classification Scheme 2023. Collection method: clinical testing. Allele origin: germline.
Comment: The p.P243L variant (also known as c.728C>T), located in coding exon 1 of the SAMD9 gene, results from a C to T substitution at nucleotide position 728. The proline at codon 243 is replaced by leucine, an amino acid with similar properties. This amino acid position is conserved. In addition, this alteration is predicted to be tolerated by in silico analysis. Based on the available evidence, the clinical significance of this variant remains unclear.

GeneDx
Classification: Uncertain significance. Last evaluated: 2024-02-07. Review status: criteria provided, single submitter. Criteria: GeneDx Variant Classification Process June 2021. Collection method: clinical testing. Allele origin: germline. Affected: yes.
Comment: Not observed at significant frequency in large population cohorts (gnomAD); In silico analysis supports that this missense variant has a deleterious effect on protein structure/function; Has not been previously published as pathogenic or benign to our knowledge; This variant is associated with the following publications: (PMID: 28545555)

Labcorp Genetics (formerly Invitae), Labcorp
Classification: Uncertain significance. Last evaluated: 2023-04-03. Review status: criteria provided, single submitter. Criteria: Invitae Variant Classification Sherloc (09022015). Collection method: clinical testing. Allele origin: germline.
Comment: This variant has not been reported in the literature in individuals affected with SAMD9-related conditions. This sequence change replaces proline, which is neutral and non-polar, with leucine, which is neutral and non-polar, at codon 243 of the SAMD9 protein (p.Pro243Leu). This variant is present in population databases (no rsID available, gnomAD 0.0009%). ClinVar contains an entry for this variant (Variation ID: 1464120). Advanced modeling of protein sequence and biophysical properties (such as structural, functional, and spatial information, amino acid conservation, physicochemical variation, residue mobility, and thermodynamic stability) has been performed at Invitae for this missense variant, however the output from this modeling did not meet the statistical confidence thresholds required to predict the impact of this variant on SAMD9 protein function. In summary, the available evidence is currently insufficient to determine the role of this variant in disease. Therefore, it has been classified as a Variant of Uncertain Significance.

NM_017654.4(SAMD9):c.728C>T (p.Pro243Leu)

Gene: SAMD9 (sterile alpha motif domain containing 9; minus strand). Cytogenetic location: 7q21.2.
Variant type: single nucleotide variant.
Coding change: c.728C>T on transcript NM_017654.4 (MANE Select); coding-DNA position 728, C replaced by T.
Protein change: p.Pro243Leu; replaces proline 243 with leucine.
Molecular consequence: missense variant.
Genome position (GRCh38, 1-based): chr7:93,105,370, G>A on the plus strand (C>T on the coding strand, the complement: SAMD9 is on the minus strand). VCF-style: chr7-93105370-G-A. GRCh37 (hg19) VCF-style: chr7-92734683-G-A.
Other names: c.728C>T, p.Pro243Leu (NM_001193307.2); c.728C>T (NM_017654.3); short protein forms P243L.
Identifiers: ClinVar variation 1464120 (VCV001464120.10), dbSNP rs1159455564, ClinGen allele CA368204028.
Genomic context (GRCh38, chr7:93,105,370, plus strand): 5'-TGGTTAATGAGGGCTTCCTTGGTATCATTGGTGACTTTGATGCCAACAATTTTCCCATGG[G>A]GTTTGTCTTTGACTCCAAAATGAATAGTGCCATTGGTACGTGAATTCATACAAGCTGAAG-3'
Protein context (NP_060124.2, residues 233-253): GTIHFGVKDK[Pro243Leu]HGKIVGIKVT